The following is an entry in ClinVar:

NM_003924.4(PHOX2B):c.723_743del (p.Ala254_Ala260del)

Genes: PHOX2B (paired like homeobox 2B; minus strand), LOC110011216 (paired like homeobox 2b polyalanine repeat instability region; plus strand). Cytogenetic location: 4p13.
Variant type: Deletion.
Coding change: c.723_743del on transcript NM_003924.4 (MANE Select); coding-DNA positions 723 to 743, 21 bases deleted (AGCAGCAGCGGCGGCGGCCGC).
Protein change: p.Ala254_Ala260del.
Molecular consequence: inframe deletion.
Genome position (GRCh38, 1-based): chr4:41,746,009-41,746,029, GCGGCCGCCGCCGCTGCTGCT deleted on the plus strand (AGCAGCAGCGGCGGCGGCCGC on the coding strand, the reverse complement: PHOX2B is on the minus strand); deleting any 21 consecutive bases within chr4:41,746,009-41,746,032 gives the same sequence; the c. name uses the placement nearest the transcript's 3' end. VCF-style (leftmost placement, unchanged base first): chr4-41746008-CGCGGCCGCCGCCGCTGCTGCT-C. GRCh37 (hg19) VCF-style: chr4-41748025-CGCGGCCGCCGCCGCTGCTGCT-C.
Other names: c.723_743delAGCAGCAGCGGCGGCGGCCGC (NM_003924.3).
Identifiers: ClinVar variation 413918 (VCV000413918.13), dbSNP rs1064792993, ClinGen allele CA16611540.
Genomic context (GRCh38, chr4:41,746,008, plus strand): 5'-GCCCCCAGCCGCAGCCAGGCCTCCAGCTGCCGCCGCTGCCGCTGCCGCCGCCGCCGCTGC[CGCGGCCGCCGCCGCTGCTGCT>C]GCGCCGCCCTTGCCGGGTTCGCCTCCCGGGCCCCCGGGCCCCGCCGCCCCCGGAGCTCCA-3'

ClinVar aggregate classification (germline): Likely benign. Review status: criteria provided, multiple submitters, no conflicts (2 of 4 stars). 3 submissions from 3 submitters: Likely benign (2). 1 of the submissions does not count toward it. Last evaluated 2024-05-06.

Conditions:
PHOX2B-related disorder. Also called: PHOX2B-related condition.
Haddad syndrome (OHD). Also called: Ondine-Hirschsprung disease. Identifiers: Orphanet 99803, MedGen C1859049, MONDO:0020493.

Submissions (3):

Blueprint Genetics
Classification: Likely benign. Last evaluated: 2024-05-06. Review status: criteria provided, single submitter. Criteria: ACMG Guidelines, 2015. Collection method: clinical testing. Allele origin: germline.

Labcorp Genetics (formerly Invitae), Labcorp
Classification: Likely benign for Haddad syndrome. Last evaluated: 2024-04-10. Review status: criteria provided, single submitter. Criteria: Invitae Variant Classification Sherloc (09022015). Collection method: clinical testing. Allele origin: germline.

PreventionGenetics, part of Exact Sciences
Classification: Likely benign for PHOX2B-related condition. Last evaluated: 2020-01-07. Review status: no assertion criteria provided. Collection method: clinical testing. Allele origin: germline. Not counted in ClinVar's aggregate classification.
Comment: This variant is classified as likely benign based on ACMG/AMP sequence variant interpretation guidelines (Richards et al. 2015 PMID: 25741868, with internal and published modifications).